The following is an entry in ClinVar:

ClinVar aggregate classification (germline): Pathogenic (1 of 4 stars; one submission).

Conditions:
Piebaldism. Also called: Piebald skin depigmentation. Identifiers: Orphanet 2884, MedGen C0080024, MONDO:0008244, OMIM 172800, HP:0007544.

Submission:

Laboratory of Medical Genetics, National & Kapodistrian University of Athens
Classification: Pathogenic for Piebaldism. Last evaluated: 2021-10-01. Review status: criteria provided, single submitter. Criteria: ACMG Guidelines, 2015. Collection method: clinical testing. Allele origin: unknown. Affected: yes.
Comment: PVS1, PM1, PM2, PP3

Literature cited by the submitters: PubMed 34008892.

NM_000222.3(KIT):c.2415_2422del (p.Thr806fs)

Gene: KIT (KIT proto-oncogene, receptor tyrosine kinase; plus strand). Cytogenetic location: 4q12.
Variant type: Deletion.
Coding change: c.2415_2422del on transcript NM_000222.3 (MANE Select); coding-DNA positions 2415 to 2422, 8 bases deleted (CACAAAGA; older notation c.2415_2422delCACAAAGA).
Protein change: p.Thr806fs; shifts the reading frame from threonine 806.
Molecular consequence: frameshift variant.
Genome position (GRCh38, 1-based): chr4:54,733,123-54,733,130, CACAAAGA deleted. VCF-style (leftmost placement, unchanged base first): chr4-54733122-TCACAAAGA-T. GRCh37 (hg19) VCF-style: chr4-55599288-TCACAAAGA-T.
Other names: c.2403_2410del, p.Thr802fs (NM_001093772.2, NM_001385292.1); c.2418_2425del, p.Thr807fs (NM_001385284.1); c.2412_2419del, p.Thr805fs (NM_001385285.1); c.2400_2407del, p.Thr801fs (NM_001385286.1); c.2406_2413del, p.Thr803fs (NM_001385288.1); c.2415_2422del, p.Thr806fs (NM_001385290.1); short protein forms T801fs, T802fs, T803fs, T805fs, T806fs, T807fs.
Identifiers: ClinVar variation 1299653 (VCV001299653.1), dbSNP rs2109801456, ClinGen allele CA2499217281.
Genomic context (GRCh38, chr4:54,733,122, plus strand): 5'-CCTAATAGTGTATTCACAGAGACTTGGCAGCCAGAAATATCCTCCTTACTCATGGTCGGA[TCACAAAGA>T]TTTGTGATTTTGGTCTAGCCAGAGACATCAAGAATGATTCTAATTATGTGGTTAAAGGAA-3'